The following is an entry in ClinVar:

NM_033124.5(CCDC65):c.56T>G (p.Leu19Arg)

Gene: CCDC65 (coiled-coil domain containing 65; plus strand). Cytogenetic location: 12q13.12.
Variant type: single nucleotide variant.
Coding change: c.56T>G on transcript NM_033124.5 (MANE Select); coding-DNA position 56, T replaced by G.
Protein change: p.Leu19Arg; replaces leucine 19 with arginine.
Molecular consequence: missense variant. On other transcripts: 5 prime UTR variant (1).
Genome position (GRCh38, 1-based): chr12:48,904,392, T>G. VCF-style: chr12-48904392-T-G. GRCh37 (hg19) VCF-style: chr12-49298175-T-G.
Other names: c.-334T>G (NM_001286957.2); short protein forms L19R.
Identifiers: ClinVar variation 948315 (VCV000948315.6), dbSNP rs150129786, ClinGen allele CA236610683.

ClinVar aggregate classification (germline): Uncertain significance (1 of 4 stars; one submission).

Conditions:
Primary ciliary dyskinesia 27. Also called: CILIARY DYSKINESIA, PRIMARY, 27, WITHOUT SITUS INVERSUS. Identifiers: Orphanet 244, MedGen C3809701, MONDO:0014215, OMIM 615504.

Allele frequency attached by ClinVar (database versions not stated): gnomAD exomes 0.00001; TOPMed 0.00002; ESP Exome Variant Server 0.00008.
gnomAD v4.1: 12 of 1,614,012 alleles (0.00074%); highest among the groups gnomAD compares: Non-Finnish European, 0.001%; no homozygotes.

Submission:

Labcorp Genetics (formerly Invitae), Labcorp
Classification: Uncertain significance for Primary ciliary dyskinesia 27. Last evaluated: 2021-09-01. Review status: criteria provided, single submitter. Criteria: Invitae Variant Classification Sherloc (09022015). Collection method: clinical testing. Allele origin: germline.
Comment: This sequence change replaces leucine with arginine at codon 19 of the CCDC65 protein (p.Leu19Arg). The leucine residue is moderately conserved and there is a moderate physicochemical difference between leucine and arginine. This variant is not present in population databases (ExAC no frequency). This variant has not been reported in the literature in individuals affected with CCDC65-related conditions. Algorithms developed to predict the effect of missense changes on protein structure and function are either unavailable or do not agree on the potential impact of this missense change (SIFT: "Deleterious"; PolyPhen-2: "Probably Damaging"; Align-GVGD: "Class C0"). In summary, the available evidence is currently insufficient to determine the role of this variant in disease. Therefore, it has been classified as a Variant of Uncertain Significance.